The following is an entry in ClinVar:

ClinVar aggregate classification (germline): Uncertain significance (1 of 4 stars; one submission).

Conditions:
Atrial fibrillation, familial, 7 (ATFB7). Identifiers: MedGen C2677106, MONDO:0012828, OMIM 612240.

Allele frequency attached by ClinVar (database versions not stated): gnomAD exomes below 0.00001; TOPMed 0.00001.
gnomAD v4.1: 4 of 1,614,202 alleles (0.00025%); highest among the groups gnomAD compares: African/African-American, 0.004%; no homozygotes.

Submission:

Labcorp Genetics (formerly Invitae), Labcorp
Classification: Uncertain significance for Atrial fibrillation, familial, 7. Last evaluated: 2024-02-24. Review status: criteria provided, single submitter. Criteria: Invitae Variant Classification Sherloc (09022015). Collection method: clinical testing. Allele origin: germline.
Comment: This sequence change replaces glutamic acid, which is acidic and polar, with glutamine, which is neutral and polar, at codon 211 of the KCNA5 protein (p.Glu211Gln). This variant is not present in population databases (gnomAD no frequency). This variant has not been reported in the literature in individuals affected with KCNA5-related conditions. ClinVar contains an entry for this variant (Variation ID: 1010338). Advanced modeling of protein sequence and biophysical properties (such as structural, functional, and spatial information, amino acid conservation, physicochemical variation, residue mobility, and thermodynamic stability) performed at Invitae indicates that this missense variant is not expected to disrupt KCNA5 protein function with a negative predictive value of 80%. In summary, the available evidence is currently insufficient to determine the role of this variant in disease. Therefore, it has been classified as a Variant of Uncertain Significance.

NM_002234.4(KCNA5):c.631G>C (p.Glu211Gln)

Gene: KCNA5 (potassium voltage-gated channel subfamily A member 5; plus strand). Cytogenetic location: 12p13.32.
Variant type: single nucleotide variant.
Coding change: c.631G>C on transcript NM_002234.4 (MANE Select); coding-DNA position 631, G replaced by C.
Protein change: p.Glu211Gln; replaces glutamic acid 211 with glutamine.
Molecular consequence: missense variant.
Genome position (GRCh38, 1-based): chr12:5,044,778, G>C. VCF-style: chr12-5044778-G-C. GRCh37 (hg19) VCF-style: chr12-5153944-G-C.
Other names: short protein forms E211Q.
Identifiers: ClinVar variation 1010338 (VCV001010338.8), dbSNP rs1862753153, ClinGen allele CA383464828.